The following is an entry in ClinVar:

ClinVar aggregate classification (germline): Uncertain significance (1 of 4 stars; one submission).

Submission:

Labcorp Genetics (formerly Invitae), Labcorp
Classification: Uncertain significance. Last evaluated: 2023-04-12. Review status: criteria provided, single submitter. Criteria: Invitae Variant Classification Sherloc (09022015). Collection method: clinical testing. Allele origin: germline.
Comment: In summary, the available evidence is currently insufficient to determine the role of this variant in disease. Therefore, it has been classified as a Variant of Uncertain Significance. Advanced modeling of protein sequence and biophysical properties (such as structural, functional, and spatial information, amino acid conservation, physicochemical variation, residue mobility, and thermodynamic stability) performed at Invitae indicates that this missense variant is not expected to disrupt FAR1 protein function. ClinVar contains an entry for this variant (Variation ID: 2014000). This variant has not been reported in the literature in individuals affected with FAR1-related conditions. This variant is not present in population databases (gnomAD no frequency). This sequence change replaces arginine, which is basic and polar, with lysine, which is basic and polar, at codon 200 of the FAR1 protein (p.Arg200Lys).

NM_032228.6(FAR1):c.599G>A (p.Arg200Lys)

Gene: FAR1 (fatty acyl-CoA reductase 1; plus strand). Cytogenetic location: 11p15.3.
Variant type: single nucleotide variant.
Coding change: c.599G>A on transcript NM_032228.6 (MANE Select); coding-DNA position 599, G replaced by A.
Protein change: p.Arg200Lys; replaces arginine 200 with lysine.
Molecular consequence: missense variant.
Genome position (GRCh38, 1-based): chr11:13,710,746, G>A. VCF-style: chr11-13710746-G-A. GRCh37 (hg19) VCF-style: chr11-13732293-G-A.
Other names: short protein forms R200K.
Identifiers: ClinVar variation 2014000 (VCV002014000.4), dbSNP rs2500132579, ClinGen allele CA379857263.